The following is an entry in ClinVar:

ClinVar aggregate classification (germline): Uncertain significance. Review status: criteria provided, multiple submitters, no conflicts (2 of 4 stars). 3 submissions from 3 submitters: Uncertain significance (3). Last evaluated 2025-11-25.

Conditions:
Brugada syndrome 8 (BRGDA8). Identifiers: Orphanet 130, MedGen C2751083, MONDO:0013148, OMIM 613123.
Cardiovascular phenotype. Identifiers: MedGen CN230736.

Allele frequency attached by ClinVar (database versions not stated): gnomAD 0.00001; gnomAD exomes 0.00001; TOPMed 0.00001.

Submissions (3):

Labcorp Genetics (formerly Invitae), Labcorp
Classification: Uncertain significance for Brugada syndrome 8. Last evaluated: 2025-11-25. Review status: criteria provided, single submitter. Criteria: Invitae Variant Classification Sherloc (09022015). Collection method: clinical testing. Allele origin: germline.
Comment: This sequence change replaces threonine, which is neutral and polar, with methionine, which is neutral and non-polar, at codon 380 of the HCN4 protein (p.Thr380Met). This variant is not present in population databases (gnomAD no frequency). This variant has not been reported in the literature in individuals affected with HCN4-related conditions. ClinVar contains an entry for this variant (Variation ID: 1730598). Invitae Evidence Modeling of protein sequence and biophysical properties (such as structural, functional, and spatial information, amino acid conservation, physicochemical variation, residue mobility, and thermodynamic stability) indicates that this missense variant is not expected to disrupt HCN4 protein function with a negative predictive value of 95%. In summary, the available evidence is currently insufficient to determine the role of this variant in disease. Therefore, it has been classified as a Variant of Uncertain Significance.

Ambry Genetics
Classification: Uncertain significance for Cardiovascular phenotype. Last evaluated: 2025-09-27. Review status: criteria provided, single submitter. Criteria: Ambry Variant Classification Scheme 2023. Collection method: clinical testing. Allele origin: germline.

GeneDx
Classification: Uncertain significance. Last evaluated: 2022-12-19. Review status: criteria provided, single submitter. Criteria: GeneDx Variant Classification Process June 2021. Collection method: clinical testing. Allele origin: germline. Affected: yes.
Comment: Has not been previously published as pathogenic or benign to our knowledge; Not observed at significant frequency in large population cohorts (gnomAD); In silico analysis supports that this missense variant has a deleterious effect on protein structure/function

NM_005477.3(HCN4):c.1139C>T (p.Thr380Met)

Genes: HCN4 (hyperpolarization activated cyclic nucleotide gated potassium channel 4; minus strand), LOC105370890 (uncharacterized LOC105370890; plus strand), LOC126862173 (CDK7 strongly-dependent group 2 enhancer GRCh37_chr15:73635762-73636961; plus strand). Cytogenetic location: 15q24.1.
Variant type: single nucleotide variant.
Coding change: c.1139C>T on transcript NM_005477.3 (MANE Select); coding-DNA position 1139, C replaced by T.
Protein change: p.Thr380Met; replaces threonine 380 with methionine.
Molecular consequence: missense variant.
Genome position (GRCh38, 1-based): chr15:73,343,455, G>A on the plus strand (C>T on the coding strand, the complement: HCN4 is on the minus strand). VCF-style: chr15-73343455-G-A. GRCh37 (hg19) VCF-style: chr15-73635796-G-A.
Other names: short protein forms T380M.
Identifiers: ClinVar variation 1730598 (VCV001730598.9), dbSNP rs2043016424, ClinGen allele CA393094768.